The following is an entry in ClinVar:

ClinVar aggregate classification (germline): Uncertain significance (0 of 4 stars; one submission).

Conditions:
CREBBP-related disorder. Also called: CREBBP-related condition; CREBBP-related disorders.

Submission:

PreventionGenetics, part of Exact Sciences
Classification: Uncertain significance for CREBBP-related condition. Last evaluated: 2024-02-01. Review status: no assertion criteria provided. Collection method: clinical testing. Allele origin: germline.
Comment: The CREBBP c.2708C>T variant is predicted to result in the amino acid substitution p.Pro903Leu. To our knowledge, this variant has not been reported in the literature or in a large population database, indicating this variant is rare. At this time, the clinical significance of this variant is uncertain due to the absence of conclusive functional and genetic evidence.

NM_004380.3(CREBBP):c.2708C>T (p.Pro903Leu)

Gene: CREBBP (CREB binding lysine acetyltransferase; minus strand). Cytogenetic location: 16p13.3.
Variant type: single nucleotide variant.
Coding change: c.2708C>T on transcript NM_004380.3 (MANE Select); coding-DNA position 2708, C replaced by T.
Protein change: p.Pro903Leu; replaces proline 903 with leucine.
Molecular consequence: missense variant.
Genome position (GRCh38, 1-based): chr16:3,770,742, G>A on the plus strand (C>T on the coding strand, the complement: CREBBP is on the minus strand). VCF-style: chr16-3770742-G-A. GRCh37 (hg19) VCF-style: chr16-3820743-G-A.
Other names: c.2594C>T, p.Pro865Leu (NM_001079846.1); short protein forms P865L, P903L.
Identifiers: ClinVar variation 3353631 (VCV003353631.1).